The following is an entry in ClinVar:

ClinVar aggregate classification (germline): Uncertain significance (1 of 4 stars; one submission).

Conditions:
Charcot-Marie-Tooth disease type 1C. Also called: Charcot-Marie-Tooth disease, type IC; CHARCOT-MARIE-TOOTH DISEASE, DEMYELINATING, TYPE 1C; CMT, SLOW NERVE CONDUCTION TYPE C; HMSN IC; CHARCOT-MARIE-TOOTH NEUROPATHY, TYPE 1C; NEUROPATHY, HEREDITARY MOTOR AND SENSORY, TYPE IC. Identifiers: Orphanet 101083, MedGen C0270913, MONDO:0010995, OMIM 601098.

Submission:

Labcorp Genetics (formerly Invitae), Labcorp
Classification: Uncertain significance for Charcot-Marie-Tooth disease type 1C. Last evaluated: 2025-06-05. Review status: criteria provided, single submitter. Criteria: Invitae Variant Classification Sherloc (09022015). Collection method: clinical testing. Allele origin: germline.
Comment: This sequence change replaces glycine, which is neutral and non-polar, with alanine, which is neutral and non-polar, at codon 112 of the LITAF protein (p.Gly112Ala). This variant is not present in population databases (gnomAD no frequency). This missense change has been observed in individual(s) with Charcot-Marie-Tooth disease (PMID: 28211240). An algorithm developed to predict the effect of missense changes on protein structure and function (PolyPhen-2) suggests that this variant is likely to be disruptive. This variant disrupts the p.Gly112 amino acid residue in LITAF. Other variant(s) that disrupt this residue have been determined to be pathogenic (PMID: 12525712, 15122712, 15776429, 23576546, 25058650). This suggests that this residue is clinically significant, and that variants that disrupt this residue are likely to be disease-causing. In summary, the available evidence is currently insufficient to determine the role of this variant in disease. Therefore, it has been classified as a Variant of Uncertain Significance.

Literature cited by the submitters: PubMed 28211240; PubMed 12525712; PubMed 15122712; PubMed 15776429; PubMed 23576546; PubMed 25058650.

NM_001136472.2(LITAF):c.335G>C (p.Gly112Ala)

Gene: LITAF (lipopolysaccharide induced TNF factor; minus strand). Cytogenetic location: 16p13.13.
Variant type: single nucleotide variant.
Coding change: c.335G>C on transcript NM_001136472.2 (MANE Select); coding-DNA position 335, G replaced by C.
Protein change: p.Gly112Ala; replaces glycine 112 with alanine.
Molecular consequence: missense variant. On other transcripts: non-coding transcript variant (1).
Genome position (GRCh38, 1-based): chr16:11,553,575, C>G on the plus strand (G>C on the coding strand, the complement: LITAF is on the minus strand). VCF-style: chr16-11553575-C-G. GRCh37 (hg19) VCF-style: chr16-11647431-C-G.
Other names: c.335G>C, p.Gly112Ala (NM_001136473.1, NM_004862.4); short protein forms G112A.
Identifiers: ClinVar variation 4710248 (VCV004710248.1).
Genomic context (GRCh38, chr16:11,553,575, plus strand): 5'-AGTGGGAGGCAGACTCACCCCAGCAGGCACAGGCTCCCGCAGGACAGCCAGGTCAGAGCA[C>G]CGGCGTTATAGGACAGCTGACTCACGATCATCTTGTTGCAGGAAGGACAACACATTTGGA-3'
Protein context (NP_001129944.1, residues 102-122): MIVSQLSYNA[Gly112Ala]ALTWLSCGSL